The following is an entry in ClinVar:

ClinVar aggregate classification (germline): Conflicting classifications of pathogenicity. Review status: criteria provided, conflicting classifications (1 of 4 stars). 3 submissions from 2 submitters: Uncertain significance (2); Likely benign (1). Last evaluated 2024-09-20.

Conditions:
Isolated congenital digital clubbing. Also called: ACROPACHY, HEREDITARY; CLUBBING OF DIGITS. Identifiers: Orphanet 217059, MedGen C0345408, MONDO:0007343, OMIM 119900.
Hypertrophic osteoarthropathy, primary, autosomal recessive, 1 (PHOAR1). Also called: PHO, AUTOSOMAL RECESSIVE. Identifiers: Orphanet 1525, Orphanet 2796, MedGen C4551679, MONDO:0024546, OMIM 259100.

Allele frequency attached by ClinVar (database versions not stated): gnomAD 0.00004 and 0.00007; ESP Exome Variant Server 0.00008; ExAC 0.00010; gnomAD exomes 0.00012 and 0.00014; TOPMed 0.00020; 1000 Genomes Project 0.00040; 1000 Genomes Project 30x 0.00062.
gnomAD v4.1: 189 of 1,540,022 alleles (0.012%); highest among the groups gnomAD compares: Middle Eastern, 0.16%; no homozygotes.

Submissions (3):

3billion
Classification: Likely benign for Isolated congenital digital clubbing; Hypertrophic osteoarthropathy, primary, autosomal recessive, 1. Last evaluated: 2024-09-20. Review status: criteria provided, single submitter. Criteria: ACMG Guidelines, 2015. Collection method: clinical testing. Allele origin: germline. Affected: no.
Comment: The homozygous variant was found in patients diagnosed with another variant in a different gene, with no symptoms related to the gene containing the homozygous variant.

Illumina Laboratory Services, Illumina
Classification: Uncertain significance for Isolated congenital digital clubbing. Last evaluated: 2018-01-12. Review status: criteria provided, single submitter. Criteria: ICSL Variant Classification Criteria 13 December 2019. Collection method: clinical testing. Allele origin: germline.

Illumina Laboratory Services, Illumina
Classification: Uncertain significance for Hypertrophic osteoarthropathy, primary, autosomal recessive, 1. Last evaluated: 2018-01-12. Review status: criteria provided, single submitter. Criteria: ICSL Variant Classification Criteria 13 December 2019. Collection method: clinical testing. Allele origin: germline.

NM_000860.6(HPGD):c.*41A>G

Gene: HPGD (15-hydroxyprostaglandin dehydrogenase; minus strand). Cytogenetic location: 4q34.1.
Variant type: single nucleotide variant.
Coding change: c.*41A>G on transcript NM_000860.6 (MANE Select); 41 bases downstream of the stop codon, A replaced by G.
Molecular consequence: 3 prime UTR variant.
Genome position (GRCh38, 1-based): chr4:174,491,915, T>C on the plus strand (A>G on the coding strand, the complement: HPGD is on the minus strand). VCF-style: chr4-174491915-T-C. GRCh37 (hg19) VCF-style: chr4-175413066-T-C.
Other names: c.*141A>G (NM_001145816.3); c.*41A>G (NM_001256301.1, NM_001256306.2, NM_001256307.2); c.*169A>G (NM_001256305.2).
Identifiers: ClinVar variation 899919 (VCV000899919.5), dbSNP rs201828747, ClinGen allele CA3142155.